The following is an entry in ClinVar:

NM_000231.3(SGCG):c.270G>T (p.Leu90Phe)

Gene: SGCG (sarcoglycan gamma; plus strand). Cytogenetic location: 13q12.12.
Variant type: single nucleotide variant.
Coding change: c.270G>T on transcript NM_000231.3 (MANE Select); coding-DNA position 270, G replaced by T.
Protein change: p.Leu90Phe; replaces leucine 90 with phenylalanine.
Molecular consequence: missense variant.
Genome position (GRCh38, 1-based): chr13:23,234,685, G>T. VCF-style: chr13-23234685-G-T. GRCh37 (hg19) VCF-style: chr13-23808824-G-T.
Other names: c.324G>T, p.Leu108Phe (NM_001378244.1); c.270G>T, p.Leu90Phe (NM_001378245.1, NM_001378246.1); c.270G>T (NM_000231.2); short protein forms L108F, L90F.
Identifiers: ClinVar variation 1479229 (VCV001479229.6), dbSNP rs368524463, ClinGen allele CA6909620.
Genomic context (GRCh38, chr13:23,234,685, plus strand): 5'-CTTGTGTGTAACAAAAGATGGACTGCGCTTGGAAGGGGAATCAGAATTTTTATTCCCATT[G>T]TATGCCAAAGAAATACACTCCAGAGTGGTAAGAAAATGTTAAGACAAATAATTTGTGCTT-3'
Protein context (NP_000222.2, residues 80-100): LEGESEFLFP[Leu90Phe]YAKEIHSRVD

ClinVar aggregate classification (germline): Uncertain significance. Review status: criteria provided, multiple submitters, no conflicts (2 of 4 stars). 3 submissions from 3 submitters: Uncertain significance (3). Last evaluated 2025-07-02.

Conditions:
Autosomal recessive limb-girdle muscular dystrophy type 2C (LGMDR5). Also called: MUSCULAR DYSTROPHY, LIMB-GIRDLE, AUTOSOMAL RECESSIVE 5; MUSCULAR DYSTROPHY, DUCHENNE-LIKE. Identifiers: Orphanet 353, MedGen C0410173, MONDO:0009677, OMIM 253700. Disease mechanism: Affects gamma-sarcoglycan and also disrupts the integrity of the entire sarcoglycan complex..

Allele frequency attached by ClinVar (database versions not stated): gnomAD exomes below 0.00001 and 0.00001; ExAC 0.00001; gnomAD 0.00003 and 0.00004; TOPMed 0.00005; ESP Exome Variant Server 0.00008.
gnomAD v4.1: 11 of 1,608,186 alleles (0.00068%); highest among the groups gnomAD compares: African/African-American, 0.015%; no homozygotes.

Submissions (3):

Athena Diagnostics
Classification: Uncertain significance. Last evaluated: 2025-07-02. Review status: criteria provided, single submitter. Criteria: Athena Diagnostics Criteria. Collection method: clinical testing. Allele origin: unknown.
Comment: Available data are insufficient to determine the clinical significance of the variant at this time. The frequency of this variant in the general population is uninformative in assessment of its pathogenicity. Computational tools disagree on the variant's effect on normal protein function.

Revvity Omics, Revvity
Classification: Uncertain significance for Autosomal recessive limb-girdle muscular dystrophy type 2C. Last evaluated: 2022-12-08. Review status: criteria provided, single submitter. Criteria: ACMG Guidelines, 2015. Collection method: clinical testing. Allele origin: germline.

Labcorp Genetics (formerly Invitae), Labcorp
Classification: Uncertain significance for Autosomal recessive limb-girdle muscular dystrophy type 2C. Last evaluated: 2021-11-27. Review status: criteria provided, single submitter. Criteria: Invitae Variant Classification Sherloc (09022015). Collection method: clinical testing. Allele origin: germline.
Comment: This sequence change replaces leucine, which is neutral and non-polar, with phenylalanine, which is neutral and non-polar, at codon 90 of the SGCG protein (p.Leu90Phe). This variant is present in population databases (rs368524463, gnomAD 0.01%). This variant has not been reported in the literature in individuals affected with SGCG-related conditions. Algorithms developed to predict the effect of missense changes on protein structure and function are either unavailable or do not agree on the potential impact of this missense change (SIFT: "Tolerated"; PolyPhen-2: "Probably Damaging"; Align-GVGD: "Class C0"). In summary, the available evidence is currently insufficient to determine the role of this variant in disease. Therefore, it has been classified as a Variant of Uncertain Significance.